The following is an entry in ClinVar:

NM_004204.5(PIGQ):c.376G>A (p.Val126Ile)

Gene: PIGQ (phosphatidylinositol glycan anchor biosynthesis class Q; plus strand). Cytogenetic location: 16p13.3.
Variant type: single nucleotide variant.
Coding change: c.376G>A on transcript NM_004204.5 (MANE Select); coding-DNA position 376, G replaced by A.
Protein change: p.Val126Ile; replaces valine 126 with isoleucine.
Molecular consequence: missense variant.
Genome position (GRCh38, 1-based): chr16:574,450, G>A. VCF-style: chr16-574450-G-A. GRCh37 (hg19) VCF-style: chr16-624450-G-A.
Other names: c.376G>A, p.Val126Ile (NM_148920.4); c.376G>A (NM_148920.1); short protein forms V126I.
Identifiers: ClinVar variation 1311156 (VCV001311156.4), dbSNP rs552657819, ClinGen allele CA276482129.

ClinVar aggregate classification (germline): Uncertain significance. Review status: criteria provided, multiple submitters, no conflicts (2 of 4 stars). 2 submissions from 2 submitters: Uncertain significance (2). Last evaluated 2025-02-08.

Conditions:
Inborn genetic diseases. Identifiers: MedGen C0950123, MeSH D030342.

Allele frequency attached by ClinVar (database versions not stated): gnomAD exomes below 0.00001; 1000 Genomes Project 30x 0.00016; 1000 Genomes Project 0.00020; TOPMed below 0.00001; gnomAD 0.00001.
gnomAD v4.1: 24 of 1,610,926 alleles (0.0015%); highest among the groups gnomAD compares: South Asian, 0.0033%; no homozygotes.

Submissions (2):

Ambry Genetics
Classification: Uncertain significance for Inborn genetic diseases. Last evaluated: 2025-02-08. Review status: criteria provided, single submitter. Criteria: Ambry Variant Classification Scheme 2023. Collection method: clinical testing. Allele origin: germline.

GeneDx
Classification: Uncertain significance. Last evaluated: 2021-04-17. Review status: criteria provided, single submitter. Criteria: GeneDx Variant Classification Process June 2021. Collection method: clinical testing. Allele origin: germline. Affected: yes.
Comment: Not observed at a significant frequency in large population cohorts (Lek et al., 2016); In silico analysis, which includes protein predictors and evolutionary conservation, supports that this variant does not alter protein structure/function; Has not been previously published as pathogenic or benign to our knowledge